The following is an entry in ClinVar:

NM_006766.5(KAT6A):c.3070C>T (p.Arg1024Ter)

Gene: KAT6A (lysine acetyltransferase 6A; minus strand). Cytogenetic location: 8p11.21.
Variant type: single nucleotide variant.
Coding change: c.3070C>T on transcript NM_006766.5 (MANE Select); coding-DNA position 3070, C replaced by T.
Protein change: p.Arg1024Ter; replaces arginine 1024 with a stop codon.
Molecular consequence: nonsense.
Genome position (GRCh38, 1-based): chr8:41,937,538, G>A on the plus strand (C>T on the coding strand, the complement: KAT6A is on the minus strand). VCF-style: chr8-41937538-G-A. GRCh37 (hg19) VCF-style: chr8-41795056-G-A.
Other names: short protein forms R1024*.
Identifiers: ClinVar variation 180230 (VCV000180230.49), dbSNP rs786200961, ClinGen allele CA004173.

ClinVar aggregate classification (germline): Pathogenic. Review status: criteria provided, multiple submitters, no conflicts (2 of 4 stars). 6 submissions from 6 submitters: Pathogenic (3). 3 of the submissions do not count toward it. Last evaluated 2023-09-19.

Conditions:
KAT6A-related disorder. Also called: KAT6A-related condition.
Autosomal dominant intellectual disability-craniofacial anomalies-cardiac defects syndrome (ARTHS). Also called: KAT6A syndrome; Mental retardation, autosomal dominant 32; Arboleda-Tham syndrome. Identifiers: Orphanet 457193, MedGen C4225396, MONDO:0014558, OMIM 616268.

Submissions (6):

Blueprint Genetics
Classification: Pathogenic for KAT6A-related disorders. Last evaluated: 2023-09-19. Review status: criteria provided, single submitter. Criteria: ACMG Guidelines, 2015. Collection method: clinical testing. Allele origin: de novo. Affected: yes. Observed: 2 variant alleles.

GeneDx
Classification: Pathogenic. Last evaluated: 2022-10-14. Review status: criteria provided, single submitter. Criteria: GeneDx Variant Classification Process June 2021. Collection method: clinical testing. Allele origin: germline. Affected: yes.
Comment: Nonsense variant predicted to result in protein truncation or nonsense mediated decay in a gene for which loss of function is a known mechanism of disease; Not observed at significant frequency in large population cohorts (gnomAD); This variant is associated with the following publications: (PMID: 30245513, 25728775, 31754438, 27133397)

CeGaT Center for Human Genetics Tuebingen
Classification: Pathogenic. Last evaluated: 2019-02-01. Review status: criteria provided, single submitter. Criteria: CeGaT Center For Human Genetics Tuebingen Variant Classification Criteria Version 2. Collection method: clinical testing. Allele origin: germline. Affected: yes. Observed: 1 variant allele.

Laboratory of Molecular Genetics (Pr. Bezieau's lab), CHU de Nantes
Classification: Pathogenic. Last evaluated: 2016-06-01. Review status: no assertion criteria provided. Collection method: clinical testing. Allele origin: germline. Affected: yes. Not counted in ClinVar's aggregate classification.

OMIM
Classification: Pathogenic for ARBOLEDA-THAM SYNDROME. Last evaluated: 2015-03-05. Review status: no assertion criteria provided. Collection method: literature only. Allele origin: germline. Not counted in ClinVar's aggregate classification.

UCLA Clinical Genomics Center, UCLA
Classification: Pathogenic for KAT6A syndrome. Last evaluated: 2015-01-15. Review status: no assertion criteria provided. Collection method: clinical testing. Allele origin: de novo. Affected: yes. Observed: 1 variant allele. Not counted in ClinVar's aggregate classification.
Comment: Clinical Exome

Literature cited by the submitters: PubMed 25728775 (cited by OMIM and UCLA Clinical Genomics Center, UCLA); PubMed 27133397 (cited by OMIM); Hamosh, A. Personal Communication. 2019. Baltimore, Md. (cited by OMIM).